The following is an entry in ClinVar:

NM_201384.3(PLEC):c.11394G>A (p.Arg3798=)

Gene: PLEC (plectin; minus strand). Cytogenetic location: 8q24.3.
Variant type: single nucleotide variant.
Coding change: c.11394G>A on transcript NM_201384.3 (MANE Select); coding-DNA position 11394, G replaced by A.
Protein change: p.Arg3798=; no amino-acid change (arginine 3798 retained).
Molecular consequence: synonymous variant.
Genome position (GRCh38, 1-based): chr8:143,918,427, C>T on the plus strand (G>A on the coding strand, the complement: PLEC is on the minus strand). VCF-style: chr8-143918427-C-T. GRCh37 (hg19) VCF-style: chr8-144992595-C-T.
Other names: c.11475G>A, p.Arg3825= (NM_000445.5); c.11352G>A, p.Arg3784= (NM_201378.4); c.11328G>A, p.Arg3776= (NM_201379.3); c.11805G>A, p.Arg3935= (NM_201380.4); c.11298G>A, p.Arg3766= (NM_201381.3); c.11394G>A, p.Arg3798= (NM_201382.4); c.11406G>A, p.Arg3802= (NM_201383.3).
Identifiers: ClinVar variation 706753 (VCV000706753.45), dbSNP rs368222729, ClinGen allele CA4924359.

ClinVar aggregate classification (germline): Conflicting classifications of pathogenicity. Review status: criteria provided, conflicting classifications (1 of 4 stars). 5 submissions from 5 submitters: Uncertain significance (1); Likely benign (4). Last evaluated 2026-09-01.

Conditions:
PLEC-related disorder. Also called: PLEC-related condition; PLEC-related disorders.
Epidermolysis bullosa simplex 5B, with muscular dystrophy (EBS5B). Also called: EPIDERMOLYSIS BULLOSA SIMPLEX AND LIMB-GIRDLE MUSCULAR DYSTROPHY; Epidermolysis bullosa simplex with muscular dystrophy. Identifiers: Orphanet 257, MedGen C2931072, MONDO:0009181, OMIM 226670.
Epidermolysis bullosa simplex with nail dystrophy (EBS5D). Identifiers: MedGen C4225309, MONDO:0014661, OMIM 616487.
Epidermolysis bullosa simplex, Ogna type (EBS5A). Also called: Pidermolysis bullosa simplex 5A, Ogna type; EPIDERMOLYSIS BULLOSA SIMPLEX 5A, OGNA TYPE. Identifiers: Orphanet 79401, MedGen C0432317, MONDO:0007555, OMIM 131950.
Autosomal recessive limb-girdle muscular dystrophy type 2Q (LGMDR17). Also called: MUSCULAR DYSTROPHY, LIMB-GIRDLE, AUTOSOMAL RECESSIVE 17. Identifiers: Orphanet 254361, MedGen C3150989, MONDO:0013390, OMIM 613723.
Epidermolysis bullosa simplex 5C, with pyloric atresia (EBS5C). Also called: PLEC1-Related Epidermolysis Bullosa with Pyloric Atresia; PLEC-Related Epidermolysis Bullosa with Pyloric Atresia; Epidermolysis bullosa simplex with pyloric atresia. Identifiers: Orphanet 158684, MedGen C2677349, MONDO:0012807, OMIM 612138.

Allele frequency attached by ClinVar (database versions not stated): gnomAD exomes 0.00009 and 0.00010; ExAC 0.00014; gnomAD 0.00014 and 0.00015; TOPMed 0.00015; ESP Exome Variant Server 0.00016.
gnomAD v4.1: 158 of 1,576,398 alleles (0.01%); highest among the groups gnomAD compares: Middle Eastern, 0.066%; no homozygotes.

Submissions (5):

CeGaT Center for Human Genetics Tuebingen
Classification: Likely benign. Last evaluated: 2026-09-01. Review status: criteria provided, single submitter. Criteria: CeGaT Center For Human Genetics Tuebingen Variant Classification Criteria Version 2. Collection method: clinical testing. Allele origin: germline. Affected: yes. Observed: 3 variant alleles.
Comment: PLEC: BP4, BP7

Labcorp Genetics (formerly Invitae), Labcorp
Classification: Likely benign for Autosomal recessive limb-girdle muscular dystrophy type 2Q; Epidermolysis bullosa simplex, Ogna type; Epidermolysis bullosa simplex with nail dystrophy; Epidermolysis bullosa simplex 5C, with pyloric atresia; Epidermolysis bullosa simplex 5B, with muscular dystrophy. Last evaluated: 2025-11-23. Review status: criteria provided, single submitter. Criteria: Invitae Variant Classification Sherloc (09022015). Collection method: clinical testing. Allele origin: germline.

PreventionGenetics, part of Exact Sciences
Classification: Likely benign for PLEC-related condition. Last evaluated: 2025-09-20. Review status: criteria provided, single submitter. Criteria: ACMG Guidelines, 2015. Collection method: clinical testing. Allele origin: germline.
Comment: This variant is classified as likely benign based on ACMG/AMP sequence variant interpretation guidelines (Richards et al. 2015 PMID: 25741868, with internal and published modifications).

Blueprint Genetics
Classification: Likely benign. Last evaluated: 2024-05-30. Review status: criteria provided, single submitter. Criteria: ACMG Guidelines, 2015. Collection method: clinical testing. Allele origin: germline.

Centre for Mendelian Genomics, University Medical Centre Ljubljana
Classification: Uncertain significance for Autosomal recessive limb-girdle muscular dystrophy type 2Q. Last evaluated: 2019-01-09. Review status: criteria provided, single submitter. Criteria: ACMG Guidelines, 2015. Collection method: clinical testing. Allele origin: unknown. Affected: yes.
Comment: This variant was classified as: Uncertain significance. The available evidence on this variant's pathogenicity is insufficient or conflicting. The following ACMG criteria were applied in classifying this variant: PM2,BP4.